The following is an entry in ClinVar:

ClinVar aggregate classification (germline): Likely benign. Review status: criteria provided, multiple submitters, no conflicts (2 of 4 stars). 6 submissions from 6 submitters: Likely benign (6). Last evaluated 2025-12-08.

Conditions:
Catecholaminergic polymorphic ventricular tachycardia (CVPT). Also called: Catecholamine-induced polymorphic ventricular tachycardia. Identifiers: Orphanet 3286, MedGen C5574922, MONDO:0017990.
Catecholaminergic polymorphic ventricular tachycardia 1. Also called: RYR2-Related Catecholaminergic Polymorphic Ventricular Tachycardia; VENTRICULAR TACHYCARDIA, STRESS-INDUCED POLYMORPHIC 1; VENTRICULAR TACHYCARDIA, CATECHOLAMINERGIC POLYMORPHIC, 1, WITH OR WITHOUT ATRIAL DYSFUNCTION AND/OR DILATED CARDIOMYOPATHY. Identifiers: Orphanet 3286, MedGen C1631597, MONDO:0011484, OMIM 604772.
Cardiovascular phenotype. Identifiers: MedGen CN230736.
Cardiomyopathy (CMYO). Also called: Cardiomyopathies. Identifiers: Orphanet 167848, MedGen C0878544, MONDO:0004994, HP:0001638. Inheritance: Various modes of inheritance.

Allele frequency attached by ClinVar (database versions not stated): gnomAD exomes 0.00001 and 0.00002; TOPMed 0.00002.
gnomAD v4.1: 7 of 1,576,902 alleles (0.00044%); highest among the groups gnomAD compares: Middle Eastern, 0.017%; no homozygotes.

Submissions (6):

Labcorp Genetics (formerly Invitae), Labcorp
Classification: Likely benign for Catecholaminergic polymorphic ventricular tachycardia 1. Last evaluated: 2025-12-08. Review status: criteria provided, single submitter. Criteria: Invitae Variant Classification Sherloc (09022015). Collection method: clinical testing. Allele origin: germline.

All of Us Research Program, National Institutes of Health
Classification: Likely benign for Catecholaminergic polymorphic ventricular tachycardia. Last evaluated: 2023-12-01. Review status: criteria provided, single submitter. Criteria: ACMG Guidelines, 2015. Collection method: clinical testing. Allele origin: germline. Inheritance: Autosomal dominant inheritance. Observed: 4 variant alleles, 4 heterozygotes.
Comment: This study involves interpretation of variants in research participants for the purpose of population health screening. Participant phenotype was not available at the time of variant classification. Additional details can be found in publication PMID: 35346344, PMCID: PMC8962531

CeGaT Center for Human Genetics Tuebingen
Classification: Likely benign. Last evaluated: 2022-03-01. Review status: criteria provided, single submitter. Criteria: CeGaT Center For Human Genetics Tuebingen Variant Classification Criteria Version 2. Collection method: clinical testing. Allele origin: germline. Affected: yes. Observed: 1 variant allele.

Ambry Genetics
Classification: Likely benign for Cardiovascular phenotype. Last evaluated: 2021-05-26. Review status: criteria provided, single submitter. Criteria: Ambry Variant Classification Scheme 2023. Collection method: clinical testing. Allele origin: germline.

Color Diagnostics, LLC DBA Color Health
Classification: Likely benign for Cardiomyopathy. Last evaluated: 2019-01-11. Review status: criteria provided, single submitter. Criteria: ACMG Guidelines, 2015. Collection method: clinical testing. Allele origin: germline.

GeneDx
Classification: Likely benign. Last evaluated: 2018-02-01. Review status: criteria provided, single submitter. Criteria: GeneDx Variant Classification (06012015). Collection method: clinical testing. Allele origin: germline. Affected: yes.
Comment: This variant is considered likely benign or benign based on one or more of the following criteria: it is a conservative change, it occurs at a poorly conserved position in the protein, it is predicted to be benign by multiple in silico algorithms, and/or has population frequency not consistent with disease.

NM_001035.3(RYR2):c.3168G>A (p.Thr1056=)

Gene: RYR2 (ryanodine receptor 2; plus strand). Cytogenetic location: 1q43.
Variant type: single nucleotide variant.
Coding change: c.3168G>A on transcript NM_001035.3 (MANE Select); coding-DNA position 3168, G replaced by A.
Protein change: p.Thr1056=; no amino-acid change (threonine 1056 retained).
Molecular consequence: synonymous variant.
Genome position (GRCh38, 1-based): chr1:237,550,645, G>A. VCF-style: chr1-237550645-G-A. GRCh37 (hg19) VCF-style: chr1-237713945-G-A.
Other names: c.3168G>A, p.Thr1056= (LRG_402t1).
Identifiers: ClinVar variation 508975 (VCV000508975.46), dbSNP rs1183058696, ClinGen allele CA423818338.
Genomic context (GRCh38, chr1:237,550,645, plus strand): 5'-TCTTCTGGATGACCGAACCAAGAAATCCAACAAGGACAGCCTCCGCGAGGCTGTGCGCAC[G>A]CTGCTGGGGTACGGCTACAACTTGGAAGCACCAGATCAAGATCATGGTATTTTGGTTTTA-3'
Protein context (NP_001026.2, residues 1046-1066): NKDSLREAVR[Thr1056=]LLGYGYNLEA